The following is an entry in ClinVar:

NM_001379291.1(BRD4):c.2297C>T (p.Pro766Leu)

Gene: BRD4 (bromodomain containing 4; minus strand). Cytogenetic location: 19p13.12.
Variant type: single nucleotide variant.
Coding change: c.2297C>T on transcript NM_001379291.1 (MANE Select); coding-DNA position 2297, C replaced by T.
Protein change: p.Pro766Leu; replaces proline 766 with leucine.
Molecular consequence: missense variant.
Genome position (GRCh38, 1-based): chr19:15,244,515, G>A on the plus strand (C>T on the coding strand, the complement: BRD4 is on the minus strand). VCF-style: chr19-15244515-G-A. GRCh37 (hg19) VCF-style: chr19-15355326-G-A.
Other names: c.2297C>T, p.Pro766Leu (NM_058243.3); short protein forms P766L.
Identifiers: ClinVar variation 1985023 (VCV001985023.4), dbSNP rs775700444, ClinGen allele CA9264985.

ClinVar aggregate classification (germline): Uncertain significance (1 of 4 stars; one submission).

Allele frequency attached by ClinVar (database versions not stated): gnomAD 0.00001; ExAC 0.00004.
gnomAD v4.1: 20 of 1,549,566 alleles (0.0013%); highest among the groups gnomAD compares: Admixed American, 0.0019%; no homozygotes.

Submission:

Labcorp Genetics (formerly Invitae), Labcorp
Classification: Uncertain significance. Last evaluated: 2024-04-19. Review status: criteria provided, single submitter. Criteria: Invitae Variant Classification Sherloc (09022015). Collection method: clinical testing. Allele origin: germline.
Comment: This sequence change replaces proline, which is neutral and non-polar, with leucine, which is neutral and non-polar, at codon 766 of the BRD4 protein (p.Pro766Leu). This variant is present in population databases (rs775700444, gnomAD 0.005%). This variant has not been reported in the literature in individuals affected with BRD4-related conditions. ClinVar contains an entry for this variant (Variation ID: 1985023). An algorithm developed to predict the effect of missense changes on protein structure and function (PolyPhen-2) suggests that this variant is likely to be disruptive. In summary, the available evidence is currently insufficient to determine the role of this variant in disease. Therefore, it has been classified as a Variant of Uncertain Significance.